The following is an entry in ClinVar:

ClinVar aggregate classification (germline): Uncertain significance. Review status: criteria provided, multiple submitters, no conflicts (2 of 4 stars). 6 submissions from 6 submitters: Uncertain significance (5). 1 of the submissions does not count toward it. Last evaluated 2024-07-10.

Conditions:
Inborn genetic diseases. Identifiers: MedGen C0950123, MeSH D030342.
Autosomal recessive limb-girdle muscular dystrophy type 2D (LGMDR3). Also called: DUCHENNE-LIKE AUTOSOMAL RECESSIVE MUSCULAR DYSTROPHY, TYPE 2; MUSCULAR DYSTROPHY, LIMB-GIRDLE, AUTOSOMAL RECESSIVE 3; ADHALINOPATHY, PRIMARY. Identifiers: Orphanet 62, MedGen C2936332, MONDO:0011968, OMIM 608099. Disease mechanism: Affects gamma-sarcoglycan and also disrupts the integrity of the entire sarcoglycan complex..

Allele frequency attached by ClinVar (database versions not stated): ExAC 0.00001; gnomAD exomes 0.00001 and 0.00002; gnomAD 0.00003 and 0.00004; TOPMed 0.00007.
gnomAD v4.1: 21 of 1,612,780 alleles (0.0013%); highest among the groups gnomAD compares: African/African-American, 0.012%; no homozygotes.

Submissions (6):

Revvity Omics, Revvity
Classification: Uncertain significance for Autosomal recessive limb-girdle muscular dystrophy type 2D. Last evaluated: 2024-07-10. Review status: criteria provided, single submitter. Criteria: ACMG Guidelines, 2015. Collection method: clinical testing. Allele origin: germline.

Genome-Nilou Lab
Classification: Uncertain significance for Autosomal recessive limb-girdle muscular dystrophy type 2D. Last evaluated: 2023-02-08. Review status: criteria provided, single submitter. Criteria: ACMG Guidelines, 2015. Collection method: clinical testing. Allele origin: germline.

Ambry Genetics
Classification: Uncertain significance for Inborn genetic diseases. Last evaluated: 2023-01-11. Review status: criteria provided, single submitter. Criteria: Ambry Variant Classification Scheme 2023. Collection method: clinical testing. Allele origin: germline.

Labcorp Genetics (formerly Invitae), Labcorp
Classification: Uncertain significance for Autosomal recessive limb-girdle muscular dystrophy type 2D. Last evaluated: 2022-08-09. Review status: criteria provided, single submitter. Criteria: Invitae Variant Classification Sherloc (09022015). Collection method: clinical testing. Allele origin: germline.
Comment: This sequence change replaces asparagine, which is neutral and polar, with serine, which is neutral and polar, at codon 364 of the SGCA protein (p.Asn364Ser). This variant is present in population databases (rs756912039, gnomAD 0.007%). This variant has not been reported in the literature in individuals affected with SGCA-related conditions. ClinVar contains an entry for this variant (Variation ID: 284000). Advanced modeling of protein sequence and biophysical properties (such as structural, functional, and spatial information, amino acid conservation, physicochemical variation, residue mobility, and thermodynamic stability) performed at Invitae indicates that this missense variant is expected to disrupt SGCA protein function. Algorithms developed to predict the effect of sequence changes on RNA splicing suggest that this variant may disrupt the consensus splice site. In summary, the available evidence is currently insufficient to determine the role of this variant in disease. Therefore, it has been classified as a Variant of Uncertain Significance.

Eurofins Ntd Llc (ga)
Classification: Uncertain significance. Last evaluated: 2015-10-26. Review status: criteria provided, single submitter. Criteria: EGL Classification Definitions 2015. Collection method: clinical testing. Allele origin: germline. Observed: 1 variant allele, 1 heterozygote.

Natera, Inc.
Classification: Uncertain significance for Limb-girdle muscular dystrophy type 2D. Last evaluated: 2019-11-11. Review status: no assertion criteria provided. Collection method: clinical testing. Allele origin: germline. Not counted in ClinVar's aggregate classification.

NM_000023.4(SGCA):c.1091A>G (p.Asn364Ser)

Gene: SGCA (sarcoglycan alpha; plus strand). Cytogenetic location: 17q21.33.
Variant type: single nucleotide variant.
Coding change: c.1091A>G on transcript NM_000023.4 (MANE Select); coding-DNA position 1091, A replaced by G.
Protein change: p.Asn364Ser; replaces asparagine 364 with serine.
Molecular consequence: missense variant. On other transcripts: non-coding transcript variant (1).
Genome position (GRCh38, 1-based): chr17:50,175,364, A>G. VCF-style: chr17-50175364-A-G. GRCh37 (hg19) VCF-style: chr17-48252725-A-G.
Other names: c.719A>G, p.Asn240Ser (NM_001135697.3); short protein forms N364S, N240S.
Identifiers: ClinVar variation 284000 (VCV000284000.17), dbSNP rs756912039, ClinGen allele CA8644083.